The following is an entry in ClinVar:

ClinVar aggregate classification (germline): Conflicting classifications of pathogenicity. Review status: criteria provided, conflicting classifications (1 of 4 stars). 2 submissions from 2 submitters: Uncertain significance (1); Benign (1). Last evaluated 2024-10-14.

Conditions:
Primary ciliary dyskinesia. Also called: Ciliary dyskinesia. Identifiers: Orphanet 244, MedGen C0008780, MONDO:0016575, HP:0012265.

Allele frequency attached by ClinVar (database versions not stated): gnomAD exomes below 0.00001 and 0.00001; TOPMed below 0.00001; ExAC 0.00002.
gnomAD v4.1: 2 of 1,613,964 alleles (0.00012%); highest among the groups gnomAD compares: Admixed American, 0.0033%; no homozygotes.

Submissions (2):

Ambry Genetics
Classification: Uncertain significance for Primary ciliary dyskinesia. Last evaluated: 2024-10-14. Review status: criteria provided, single submitter. Criteria: Ambry Variant Classification Scheme 2023. Collection method: clinical testing. Allele origin: germline.
Comment: The p.R826G variant (also known as c.2476A>G), located in coding exon 14 of the DNAH11 gene, results from an A to G substitution at nucleotide position 2476. The arginine at codon 826 is replaced by glycine, an amino acid with dissimilar properties. This amino acid position is conserved. In addition, the in silico prediction for this alteration is inconclusive. Based on the available evidence, the clinical significance of this variant remains unclear.

Labcorp Genetics (formerly Invitae), Labcorp
Classification: Benign for Primary ciliary dyskinesia. Last evaluated: 2024-03-13. Review status: criteria provided, single submitter. Criteria: Invitae Variant Classification Sherloc (09022015). Collection method: clinical testing. Allele origin: germline.

NM_001277115.2(DNAH11):c.2476A>G (p.Arg826Gly)

Gene: DNAH11 (dynein axonemal heavy chain 11; plus strand). Cytogenetic location: 7p15.3.
Variant type: single nucleotide variant.
Coding change: c.2476A>G on transcript NM_001277115.2 (MANE Select); coding-DNA position 2476, A replaced by G.
Protein change: p.Arg826Gly; replaces arginine 826 with glycine.
Molecular consequence: missense variant.
Genome position (GRCh38, 1-based): chr7:21,591,386, A>G. VCF-style: chr7-21591386-A-G. GRCh37 (hg19) VCF-style: chr7-21631004-A-G.
Other names: c.2476A>G (NM_001277115.1); short protein forms R826G.
Identifiers: ClinVar variation 1434247 (VCV001434247.9), dbSNP rs760855822, ClinGen allele CA4179348.